The following is an entry in ClinVar:

NM_033641.4(COL4A6):c.4768C>T (p.Pro1590Ser)

Gene: COL4A6 (collagen type IV alpha 6 chain; minus strand). Cytogenetic location: Xq22.3.
Variant type: single nucleotide variant.
Coding change: c.4768C>T on transcript NM_033641.4 (MANE Select); coding-DNA position 4768, C replaced by T.
Protein change: p.Pro1590Ser; replaces proline 1590 with serine.
Molecular consequence: missense variant.
Genome position (GRCh38, 1-based): chrX:108,159,506, G>A on the plus strand (C>T on the coding strand, the complement: COL4A6 is on the minus strand). VCF-style: chrX-108159506-G-A. GRCh37 (hg19) VCF-style: chrX-107402736-G-A.
Other names: c.4819C>T, p.Pro1607Ser (NM_001287758.2); c.4696C>T, p.Pro1566Ser (NM_001287759.2); c.4597C>T, p.Pro1533Ser (NM_001287760.2); c.4771C>T, p.Pro1591Ser (NM_001847.4); short protein forms P1533S, P1566S, P1590S, P1591S, P1607S.
Identifiers: ClinVar variation 1699298 (VCV001699298.4), dbSNP rs2148048891, ClinGen allele CA413849379.

ClinVar aggregate classification (germline): Uncertain significance (1 of 4 stars; one submission).

Conditions:
Hearing loss, X-linked 6. Also called: Deafness, X-linked 6. Identifiers: Orphanet 90625, MedGen C3806737, MONDO:0010484, OMIM 300914.

Submission:

Victorian Clinical Genetics Services, Murdoch Childrens Research Institute
Classification: Uncertain significance for Hearing loss, X-linked 6. Last evaluated: 2022-06-24. Review status: criteria provided, single submitter. Criteria: ACMG Guidelines, 2015. Collection method: clinical testing. Allele origin: germline. Inheritance: X-linked inheritance. Affected: yes.
Comment: Based on the classification scheme VCGS_Germline_v1.3.4, this variant is classified as VUS-3B. Following criteria are met: 0105 - The mechanism of disease for this gene is not clearly established. (I) 0109 - This gene is associated with X-linked disease. Hemizygous males have early onset severe hearing loss while heterozygous females can either be unaffected or mildly affected with later onset of symptoms (PMID: 23714752). (I) 0200 - Variant is predicted to result in a missense amino acid change from proline to serine. (I) 0251 - This variant is heterozygous. (I) 0301 - Variant is absent from gnomAD (both v2 and v3). (SP) 0309 - An alternative amino acid change at the same position has been observed in gnomAD (v3) (1 heterozygotes, 0 homozygotes). (I) 0501 - Missense variant consistently predicted to be damaging by multiple in silico tools or highly conserved with a major amino acid change. (SP) 0600 - Variant is located in the annotated C-terminal tandem repeated domain (DECIPHER). (I) 0705 - No comparable missense variants have previous evidence for pathogenicity. (I) 0807 - This variant has no previous evidence of pathogenicity. (I) 0905 - No published segregation evidence has been identified for this variant. (I) 1007 - No published functional evidence has been identified for this variant. (I) 1208 - Inheritance information for this variant is not currently available in this individual. (I) Legend: (SP) - Supporting pathogenic, (I) - Information, (SB) - Supporting benign

Literature cited by the submitters: PubMed 23714752; PubMed 33840813.